The following is an entry in ClinVar:

ClinVar aggregate classification (germline): Likely benign (1 of 4 stars; one submission).

Conditions:
EPHX1-related disorder. Also called: EPHX1-related condition.

gnomAD v4.1: 4 of 1,612,710 alleles (0.00025%); highest among the groups gnomAD compares: African/African-American, 0.0027%; no homozygotes.

Submission:

PreventionGenetics, part of Exact Sciences
Classification: Likely benign for EPHX1-related condition. Last evaluated: 2026-03-25. Review status: criteria provided, single submitter. Criteria: ACMG Guidelines, 2015. Collection method: clinical testing. Allele origin: germline.
Comment: This variant is classified as likely benign based on ACMG/AMP sequence variant interpretation guidelines (Richards et al. 2015 PMID: 25741868, with internal and published modifications).

NM_001136018.4(EPHX1):c.1317G>A (p.Glu439=)

Genes: EPHX1 (epoxide hydrolase 1; plus strand), TMEM63A (transmembrane protein 63A; minus strand). Cytogenetic location: 1q42.12.
Variant type: single nucleotide variant.
Coding change: c.1317G>A on transcript NM_001136018.4 (MANE Select); coding-DNA position 1317, G replaced by A.
Protein change: p.Glu439=; no amino-acid change (glutamic acid 439 retained).
Molecular consequence: synonymous variant. On other transcripts: non-coding transcript variant (4).
Genome position (GRCh38, 1-based): chr1:225,845,296, G>A. VCF-style: chr1-225845296-G-A. GRCh37 (hg19) VCF-style: chr1-226032997-G-A.
Other names: c.1317G>A, p.Glu439= (NM_000120.4, NM_001291163.2, NM_001378426.1 and 1 more transcripts); c.1290G>A, p.Glu430= (NM_001378428.1); c.1269G>A, p.Glu423= (NM_001378429.1, NM_001378430.1); c.1089G>A, p.Glu363= (NM_001378431.1); c.750G>A, p.Glu250= (NM_001378432.1).
Identifiers: ClinVar variation 4993539 (VCV004993539.1).